The following is an entry in ClinVar:

NM_004304.5(ALK):c.4841G>A (p.Ser1614Asn)

Gene: ALK (ALK receptor tyrosine kinase; minus strand). Cytogenetic location: 2p23.2.
Variant type: single nucleotide variant.
Coding change: c.4841G>A on transcript NM_004304.5 (MANE Select); coding-DNA position 4841, G replaced by A.
Protein change: p.Ser1614Asn; replaces serine 1614 with asparagine.
Molecular consequence: missense variant.
Genome position (GRCh38, 1-based): chr2:29,193,246, C>T on the plus strand (G>A on the coding strand, the complement: ALK is on the minus strand). VCF-style: chr2-29193246-C-T. GRCh37 (hg19) VCF-style: chr2-29416112-C-T.
Other names: c.1637G>A, p.Ser546Asn (NM_001353765.2); short protein forms S1614N, S546N.
Identifiers: ClinVar variation 3525234 (VCV003525234.1).

ClinVar aggregate classification (germline): Uncertain significance (1 of 4 stars; one submission).

Conditions:
Hereditary cancer-predisposing syndrome. Also called: Hereditary Cancer Syndrome; Hereditary neoplastic syndrome; Tumor predisposition; Neoplastic Syndromes, Hereditary. Identifiers: Orphanet 140162, MedGen C0027672, MeSH D009386, MONDO:0015356.

Submission:

Ambry Genetics
Classification: Uncertain significance for Hereditary cancer-predisposing syndrome. Last evaluated: 2024-11-23. Review status: criteria provided, single submitter. Criteria: Ambry Variant Classification Scheme 2023. Collection method: clinical testing. Allele origin: germline.
Comment: The p.S1614N variant (also known as c.4841G>A), located in coding exon 29 of the ALK gene, results from a G to A substitution at nucleotide position 4841. The serine at codon 1614 is replaced by asparagine, an amino acid with highly similar properties. This amino acid position is conserved. In addition, this alteration is predicted to be tolerated by in silico analysis. Based on the available evidence, the clinical significance of this variant remains unclear.